The following is an entry in ClinVar:

NM_144670.6(A2ML1):c.814C>T (p.Arg272Trp)

Gene: A2ML1 (alpha-2-macroglobulin like 1; plus strand). Cytogenetic location: 12p13.31.
Variant type: single nucleotide variant.
Coding change: c.814C>T on transcript NM_144670.6 (MANE Select); coding-DNA position 814, C replaced by T.
Protein change: p.Arg272Trp; replaces arginine 272 with tryptophan.
Molecular consequence: missense variant.
Genome position (GRCh38, 1-based): chr12:8,837,525, C>T. VCF-style: chr12-8837525-C-T. GRCh37 (hg19) VCF-style: chr12-8990121-C-T.
Other names: c.814C>T (NM_144670.3); short protein forms R272W.
Identifiers: ClinVar variation 561710 (VCV000561710.34), dbSNP rs201215628, ClinGen allele CA6435436.

ClinVar aggregate classification (germline): Conflicting classifications of pathogenicity. Review status: criteria provided, conflicting classifications (1 of 4 stars). 5 submissions from 5 submitters: Uncertain significance (3); Benign (1); Likely benign (1). Last evaluated 2026-01-21.

Allele frequency attached by ClinVar (database versions not stated): ExAC 0.00016; gnomAD exomes 0.00018 and 0.00036; gnomAD 0.00023 and 0.00026; ESP Exome Variant Server 0.00024; TOPMed 0.00024.
gnomAD v4.1: 570 of 1,613,698 alleles (0.035%); highest among the groups gnomAD compares: Middle Eastern, 0.049%; 1 homozygote.

Submissions (5):

Labcorp Genetics (formerly Invitae), Labcorp
Classification: Uncertain significance. Last evaluated: 2026-01-21. Review status: criteria provided, single submitter. Criteria: Invitae Variant Classification Sherloc (09022015). Collection method: clinical testing. Allele origin: germline.
Comment: This sequence change replaces arginine, which is basic and polar, with tryptophan, which is neutral and slightly polar, at codon 272 of the A2ML1 protein (p.Arg272Trp). This variant is present in population databases (rs201215628, gnomAD 0.05%). This variant has not been reported in the literature in individuals affected with A2ML1-related conditions. ClinVar contains an entry for this variant (Variation ID: 561710). An algorithm developed to predict the effect of missense changes on protein structure and function outputs the following: PolyPhen-2: "Benign". The tryptophan amino acid residue is found in multiple mammalian species, which suggests that this missense change does not adversely affect protein function. In summary, the available evidence is currently insufficient to determine the role of this variant in disease. Therefore, it has been classified as a Variant of Uncertain Significance.

CeGaT Center for Human Genetics Tuebingen
Classification: Likely benign. Last evaluated: 2022-09-01. Review status: criteria provided, single submitter. Criteria: CeGaT Center For Human Genetics Tuebingen Variant Classification Criteria Version 2. Collection method: clinical testing. Allele origin: germline. Affected: yes. Observed: 1 variant allele.
Comment: A2ML1: BP4

Women's Health and Genetics/Laboratory Corporation of America, LabCorp
Classification: Benign. Last evaluated: 2022-04-18. Review status: criteria provided, single submitter. Criteria: LabCorp Variant Classification Summary - May 2015. Collection method: clinical testing. Allele origin: germline.
Comment: Variant summary: A2ML1 c.814C>T (p.Arg272Trp) results in a non-conservative amino acid change located in the Macroglobulin domain MG3 (IPR041555) of the encoded protein sequence. Three of five in-silico tools predict a damaging effect of the variant on protein function. The variant allele was found at a frequency of 0.00018 in 249546 control chromosomes. The observed variant frequency is approximately 44 fold of the estimated maximal expected allele frequency for a pathogenic variant in A2ML1 causing Noonan Syndrome phenotype (4e-06), strongly suggesting that the variant is benign. To our knowledge, no occurrence of c.814C>T in individuals affected with Noonan Syndrome and no experimental evidence demonstrating its impact on protein function have been reported. Two clinical diagnostic laboratories have submitted clinical-significance assessments for this variant to ClinVar after 2014 without evidence for independent evaluation. All laboratories classified the variant as uncertain significance. Based on the evidence outlined above, the variant was classified as benign.

Ambry Genetics
Classification: Uncertain significance. Last evaluated: 2021-09-17. Review status: criteria provided, single submitter. Criteria: Ambry Variant Classification Scheme 2023. Collection method: clinical testing. Allele origin: germline.

GeneDx
Classification: Uncertain significance. Last evaluated: 2017-12-21. Review status: criteria provided, single submitter. Criteria: GeneDx Variant Classification (06012015). Collection method: clinical testing. Allele origin: germline. Affected: yes.
Comment: The R272W variant in the A2ML1 gene has not been published as a pathogenic variant, nor has it been reported as a benign variant to our knowledge. This variant is observed in 10/18870 (0.05%) alleles from individuals of East Asian background, in the ExAC dataset (Lek et al., 2016). The R272W variant is a non-conservative amino acid substitution, which is likely to impact secondary protein structure as these residues differ in polarity, charge, size and/or other properties. In-silico analyses, including protein predictors and evolutionary conservation, support that this variant does not alter protein structure/function. Based on the currently available information, it is unclear whether this variant is a pathogenic variant or a rare benign variant.